The following is an entry in ClinVar:

ClinVar aggregate classification (germline): Uncertain significance. Review status: criteria provided, multiple submitters, no conflicts (2 of 4 stars). 2 submissions from 2 submitters: Uncertain significance (2). Last evaluated 2026-07-26.

Conditions:
POLD1-related polyposis and colorectal cancer syndrome (CRCS10). Also called: Colorectal cancer 10; COLORECTAL CANCER, SUSCEPTIBILITY TO, ON CHROMOSOME 19q; Colorectal cancer, susceptibility to, 10. Identifiers: Orphanet 220460, MedGen C2675481, MONDO:0012953, OMIM 612591.
Hereditary cancer-predisposing syndrome. Also called: Hereditary neoplastic syndrome; Hereditary Cancer Syndrome; Neoplastic Syndromes, Hereditary; Tumor predisposition. Identifiers: Orphanet 140162, MedGen C0027672, MeSH D009386, MONDO:0015356.

Submissions (2):

Ambry Genetics
Classification: Uncertain significance for Hereditary cancer-predisposing syndrome. Last evaluated: 2026-07-26. Review status: criteria provided, single submitter. Criteria: Ambry Variant Classification Scheme 2023. Collection method: clinical testing. Allele origin: germline.
Comment: The p.R470C variant (also known as c.1408C>T), located in coding exon 11 of the POLD1 gene, results from a C to T substitution at nucleotide position 1408. The arginine at codon 470 is replaced by cysteine, an amino acid with highly dissimilar properties. This amino acid position is conserved. In addition, the in silico prediction for this alteration is inconclusive. Based on the available evidence, the clinical significance of this variant remains unclear.

Baylor Genetics
Classification: Uncertain significance for POLD1-related polyposis and colorectal cancer syndrome. Last evaluated: 2023-05-05. Review status: criteria provided, single submitter. Criteria: ACMG Guidelines, 2015. Collection method: clinical testing. Allele origin: unknown.

NM_002691.4(POLD1):c.1408C>T (p.Arg470Cys)

Gene: POLD1 (DNA polymerase delta 1, catalytic subunit; plus strand). Cytogenetic location: 19q13.33.
Variant type: single nucleotide variant.
Coding change: c.1408C>T on transcript NM_002691.4 (MANE Select); coding-DNA position 1408, C replaced by T.
Protein change: p.Arg470Cys; replaces arginine 470 with cysteine.
Molecular consequence: missense variant. On other transcripts: non-coding transcript variant (1).
Genome position (GRCh38, 1-based): chr19:50,406,431, C>T. VCF-style: chr19-50406431-C-T. GRCh37 (hg19) VCF-style: chr19-50909688-C-T.
Other names: c.1408C>T, p.Arg470Cys (NM_001256849.1, NM_001308632.1); c.1408C>T (NM_002691.2); short protein forms R470C.
Identifiers: ClinVar variation 2677933 (VCV002677933.2), dbSNP rs2513994694, ClinGen allele CA406980058.
Genomic context (GRCh38, chr19:50,406,431, plus strand): 5'-CAGGCCCGCAGCCCACCAGCCCACCCACCCACCTAGGTGCTGCTGCGGGAGTACAAGCTC[C>T]GCTCCTACACGCTCAATGCCGTGAGCTTCCACTTCCTGGGCGAGCAGAAGGAGGACGTGC-3'
Protein context (NP_002682.2, residues 460-480): LQVLLREYKL[Arg470Cys]SYTLNAVSFH